The following is an entry in ClinVar:

NM_000258.3(MYL3):c.129+1G>T

Gene: MYL3 (myosin light chain 3; minus strand). Cytogenetic location: 3p21.31.
Variant type: single nucleotide variant.
Coding change: c.129+1G>T on transcript NM_000258.3 (MANE Select); the canonical splice donor site of the intron after coding-DNA position 129, G replaced by T.
Molecular consequence: splice donor variant.
Genome position (GRCh38, 1-based): chr3:46,863,261, C>A on the plus strand (G>T on the coding strand, the complement: MYL3 is on the minus strand). VCF-style: chr3-46863261-C-A. GRCh37 (hg19) VCF-style: chr3-46904751-C-A.
Other names: c.129+1G>T (NM_001406939.1, NM_001406938.1, NM_001406937.1).
Identifiers: ClinVar variation 921187 (VCV000921187.3), dbSNP rs112545893, ClinGen allele CA352499462.

ClinVar aggregate classification (germline): Uncertain significance (1 of 4 stars; one submission).

Conditions:
Cardiomyopathy (CMYO). Also called: Cardiomyopathies. Identifiers: Orphanet 167848, MedGen C0878544, MONDO:0004994, HP:0001638. Inheritance: Various modes of inheritance.

Submission:

Color Diagnostics, LLC DBA Color Health
Classification: Uncertain significance for Cardiomyopathy. Last evaluated: 2019-06-19. Review status: criteria provided, single submitter. Criteria: ACMG Guidelines, 2015. Collection method: clinical testing. Allele origin: germline.
Comment: This variant alters the intron 1 canonical splice donor site of the MYL3 gene. Computational splicing tools suggest that this variant may disrupt RNA splicing. To our knowledge, functional assays have not been performed for this variant nor has this variant been reported in individuals affected with cardiovascular disorders in the literature. This variant has not been identified in the general population by the Genome Aggregation Database (gnomAD). Clinical significance of loss-of-function truncation and splice variants in the MYL3 gene is not clearly established. Available evidence is insufficient to determine the role of this variant in disease conclusively. Therefore, this variant is classified as a Variant of Uncertain Significance.